The following is an entry in ClinVar:

ClinVar aggregate classification (germline): Uncertain significance (1 of 4 stars; one submission).

Submission:

Labcorp Genetics (formerly Invitae), Labcorp
Classification: Uncertain significance. Last evaluated: 2022-05-09. Review status: criteria provided, single submitter. Criteria: Invitae Variant Classification Sherloc (09022015). Collection method: clinical testing. Allele origin: germline.
Comment: In summary, the available evidence is currently insufficient to determine the role of this variant in disease. Therefore, it has been classified as a Variant of Uncertain Significance. Algorithms developed to predict the effect of missense changes on protein structure and function are either unavailable or do not agree on the potential impact of this missense change (SIFT: "Tolerated"; PolyPhen-2: "Probably Damaging"; Align-GVGD: "Class C0"). This variant has not been reported in the literature in individuals affected with EMC1-related conditions. This variant is not present in population databases (gnomAD no frequency). This sequence change replaces glutamic acid, which is acidic and polar, with aspartic acid, which is acidic and polar, at codon 84 of the EMC1 protein (p.Glu84Asp).

NM_015047.3(EMC1):c.252A>T (p.Glu84Asp)

Gene: EMC1 (ER membrane protein complex subunit 1; minus strand). Cytogenetic location: 1p36.13.
Variant type: single nucleotide variant.
Coding change: c.252A>T on transcript NM_015047.3 (MANE Select); coding-DNA position 252, A replaced by T.
Protein change: p.Glu84Asp; replaces glutamic acid 84 with aspartic acid.
Molecular consequence: missense variant. On other transcripts: intron variant (1).
Genome position (GRCh38, 1-based): chr1:19,243,984, T>A on the plus strand (A>T on the coding strand, the complement: EMC1 is on the minus strand). VCF-style: chr1-19243984-T-A. GRCh37 (hg19) VCF-style: chr1-19570478-T-A.
Other names: c.252A>T, p.Glu84Asp (NM_001271427.2, NM_001271428.2, NM_001375820.1 and 1 more transcripts); c.221-277A>T (NM_001271429.2); short protein forms E84D.
Identifiers: ClinVar variation 2135758 (VCV002135758.4), dbSNP rs939529468, ClinGen allele CA18824103.